The following is an entry in ClinVar:

ClinVar aggregate classification (germline): Uncertain significance. Review status: criteria provided, multiple submitters, no conflicts (2 of 4 stars). 2 submissions from 2 submitters: Uncertain significance (2). Last evaluated 2026-01-09.

Allele frequency attached by ClinVar (database versions not stated): ExAC 0.00002; gnomAD exomes 0.00003; TOPMed 0.00024; gnomAD 0.00033.
gnomAD v4.1: 101 of 1,613,910 alleles (0.0063%); highest among the groups gnomAD compares: Admixed American, 0.15%; 3 homozygotes.

Submissions (2):

Labcorp Genetics (formerly Invitae), Labcorp
Classification: Uncertain significance. Last evaluated: 2026-01-09. Review status: criteria provided, single submitter. Criteria: Invitae Variant Classification Sherloc (09022015). Collection method: clinical testing. Allele origin: germline.
Comment: This sequence change replaces histidine, which is basic and polar, with arginine, which is basic and polar, at codon 495 of the EGF protein (p.His495Arg). This variant is present in population databases (rs750318450, gnomAD 0.07%), and has an allele count higher than expected for a pathogenic variant. This variant has not been reported in the literature in individuals affected with EGF-related conditions. ClinVar contains an entry for this variant (Variation ID: 2076013). An algorithm developed to predict the effect of missense changes on protein structure and function outputs the following: PolyPhen-2: "Benign". The arginine amino acid residue is found in multiple mammalian species, which suggests that this missense change does not adversely affect protein function. In summary, the available evidence is currently insufficient to determine the role of this variant in disease. Therefore, it has been classified as a Variant of Uncertain Significance.

Ambry Genetics
Classification: Uncertain significance. Last evaluated: 2024-10-20. Review status: criteria provided, single submitter. Criteria: Ambry Variant Classification Scheme 2023. Collection method: clinical testing. Allele origin: germline.

NM_001963.6(EGF):c.1484A>G (p.His495Arg)

Gene: EGF (epidermal growth factor; plus strand). Cytogenetic location: 4q25.
Variant type: single nucleotide variant.
Coding change: c.1484A>G on transcript NM_001963.6 (MANE Select); coding-DNA position 1484, A replaced by G.
Protein change: p.His495Arg; replaces histidine 495 with arginine.
Molecular consequence: missense variant.
Genome position (GRCh38, 1-based): chr4:109,964,446, A>G. VCF-style: chr4-109964446-A-G. GRCh37 (hg19) VCF-style: chr4-110885602-A-G.
Other names: c.1484A>G, p.His495Arg (NM_001178130.3); c.1358A>G, p.His453Arg (NM_001178131.3, NM_001357021.2); short protein forms H453R, H495R.
Identifiers: ClinVar variation 2076013 (VCV002076013.6), dbSNP rs750318450, ClinGen allele CA3043699.